The following is an entry in ClinVar:

NM_001127208.3(TET2):c.2908dup (p.Thr970fs)

Genes: TET2 (tet methylcytosine dioxygenase 2; plus strand), TET2-AS1 (TET2 antisense RNA 1; minus strand). Cytogenetic location: 4q24.
Variant type: Duplication.
Coding change: c.2908dup on transcript NM_001127208.3 (MANE Select); coding-DNA position 2908, one base duplicated (A; older notation c.2908dupA).
Protein change: p.Thr970fs; shifts the reading frame from threonine 970.
Molecular consequence: frameshift variant.
Genome position (GRCh38, 1-based): chr4:105,236,850, A duplicated; the last of 3 consecutive A bases (chr4:105,236,848-105,236,850); duplicating any one gives the same sequence. VCF-style (leftmost placement, unchanged base first): chr4-105236847-C-CA. GRCh37 (hg19) VCF-style: chr4-106158004-C-CA.
Other names: c.2908dup, p.Thr970fs (NM_017628.4); short protein forms T970fs.
Identifiers: ClinVar variation 4712174 (VCV004712174.1).

ClinVar aggregate classification (germline): Pathogenic (1 of 4 stars; one submission).

Submission:

Labcorp Genetics (formerly Invitae), Labcorp
Classification: Pathogenic. Last evaluated: 2025-02-02. Review status: criteria provided, single submitter. Criteria: Invitae Variant Classification Sherloc (09022015). Collection method: clinical testing. Allele origin: germline.
Comment: This sequence change creates a premature translational stop signal (p.Thr970Asnfs*2) in the TET2 gene. It is expected to result in an absent or disrupted protein product. Loss-of-function variants in TET2 are known to be pathogenic (PMID: 36066697). This variant is not present in population databases (gnomAD no frequency). This variant has not been reported in the literature in individuals affected with TET2-related conditions. For these reasons, this variant has been classified as Pathogenic.

Literature cited by the submitters: PubMed 36066697.